The following is an entry in ClinVar:

NM_005751.5(AKAP9):c.1859C>A (p.Ala620Asp)

Gene: AKAP9 (A-kinase anchoring protein 9; plus strand). Cytogenetic location: 7q21.2.
Variant type: single nucleotide variant.
Coding change: c.1859C>A on transcript NM_005751.5 (MANE Select); coding-DNA position 1859, C replaced by A.
Protein change: p.Ala620Asp; replaces alanine 620 with aspartic acid.
Molecular consequence: missense variant.
Genome position (GRCh38, 1-based): chr7:92,001,776, C>A. VCF-style: chr7-92001776-C-A. GRCh37 (hg19) VCF-style: chr7-91631090-C-A.
Other names: c.1859C>A, p.Ala620Asp (NM_147185.3); short protein forms A620D.
Identifiers: ClinVar variation 618520 (VCV000618520.19), dbSNP rs774013935, ClinGen allele CA4336064.

ClinVar aggregate classification (germline): Conflicting classifications of pathogenicity. Review status: criteria provided, conflicting classifications (1 of 4 stars). 3 submissions from 3 submitters: Uncertain significance (2); Likely benign (1). Last evaluated 2025-05-18.

Conditions:
Cardiovascular phenotype. Identifiers: MedGen CN230736.
Long QT syndrome (LQTS). Identifiers: MedGen C0023976, MeSH D008133, MONDO:0002442. Disease mechanism: loss of function. Inheritance: Various modes of inheritance.

Allele frequency attached by ClinVar (database versions not stated): gnomAD 0.00001; ExAC 0.00003; gnomAD exomes 0.00003 and 0.00006; TOPMed 0.00004.
gnomAD v4.1: 21 of 1,613,270 alleles (0.0013%); highest among the groups gnomAD compares: Admixed American, 0.033%; no homozygotes.

Submissions (3):

Ambry Genetics
Classification: Likely benign for Cardiovascular phenotype. Last evaluated: 2025-05-18. Review status: criteria provided, single submitter. Criteria: Ambry Variant Classification Scheme 2023. Collection method: clinical testing. Allele origin: germline.

Labcorp Genetics (formerly Invitae), Labcorp
Classification: Uncertain significance for Long QT syndrome. Last evaluated: 2024-09-16. Review status: criteria provided, single submitter. Criteria: Invitae Variant Classification Sherloc (09022015). Collection method: clinical testing. Allele origin: germline.
Comment: This sequence change replaces alanine, which is neutral and non-polar, with aspartic acid, which is acidic and polar, at codon 620 of the AKAP9 protein (p.Ala620Asp). This variant is present in population databases (rs774013935, gnomAD 0.04%). This variant has not been reported in the literature in individuals affected with AKAP9-related conditions. ClinVar contains an entry for this variant (Variation ID: 618520). An algorithm developed to predict the effect of missense changes on protein structure and function (PolyPhen-2) suggests that this variant is likely to be disruptive. In summary, the available evidence is currently insufficient to determine the role of this variant in disease. Therefore, it has been classified as a Variant of Uncertain Significance.

ARUP Laboratories, Molecular Genetics and Genomics, ARUP Laboratories
Classification: Uncertain significance. Last evaluated: 2017-06-23. Review status: criteria provided, single submitter. Criteria: ARUP Molecular Germline Variant Investigation Process. Collection method: clinical testing. Allele origin: germline.
Comment: The p.Ala620Asp variant (rs774013935) has not been reported in the medical literature, gene specific variation databases, nor has it been previously identified by our laboratory. This variant is listed in the Exome Aggregation Consortium Browser with an overall population frequency of 0.003 percent (identified on 3 out of 119,838 chromosomes). The alanine at position 620 is highly conserved (Alamut v2.9.0) and computational analyses of the effects of the p.Ala620Asp variant on protein structure appears to be deleterious (SIFT: damaging, MutationTaster: disease causing, PolyPhen-2: probably damaging). Altogether, there is not enough evidence to classify the p.Ala620Asp variant with certainty.